The following is an entry in ClinVar:

NM_001291303.3(FAT4):c.14057C>T (p.Thr4686Ile)

Gene: FAT4 (FAT atypical cadherin 4; plus strand). Cytogenetic location: 4q28.1.
Variant type: single nucleotide variant.
Coding change: c.14057C>T on transcript NM_001291303.3 (MANE Select); coding-DNA position 14057, C replaced by T.
Protein change: p.Thr4686Ile; replaces threonine 4686 with isoleucine.
Molecular consequence: missense variant.
Genome position (GRCh38, 1-based): chr4:125,490,873, C>T. VCF-style: chr4-125490873-C-T. GRCh37 (hg19) VCF-style: chr4-126412028-C-T.
Other names: c.14051C>T (NM_024582.4); c.14054C>T, p.Thr4685Ile (NM_001291285.3); c.14051C>T, p.Thr4684Ile (NM_024582.6); short protein forms T4684I, T4685I, T4686I.
Identifiers: ClinVar variation 1965359 (VCV001965359.6), dbSNP rs1162414696, ClinGen allele CA358140592.

ClinVar aggregate classification (germline): Uncertain significance. Review status: criteria provided, multiple submitters, no conflicts (2 of 4 stars). 2 submissions from 2 submitters: Uncertain significance (2). Last evaluated 2025-01-03.

Conditions:
Inborn genetic diseases. Identifiers: MedGen C0950123, MeSH D030342.

Allele frequency attached by ClinVar (database versions not stated): gnomAD 0.00001; TOPMed 0.00004.

Submissions (2):

Ambry Genetics
Classification: Uncertain significance for Inborn genetic diseases. Last evaluated: 2025-01-03. Review status: criteria provided, single submitter. Criteria: Ambry Variant Classification Scheme 2023. Collection method: clinical testing. Allele origin: germline.

Labcorp Genetics (formerly Invitae), Labcorp
Classification: Uncertain significance. Last evaluated: 2022-08-30. Review status: criteria provided, single submitter. Criteria: Invitae Variant Classification Sherloc (09022015). Collection method: clinical testing. Allele origin: germline.
Comment: In summary, the available evidence is currently insufficient to determine the role of this variant in disease. Therefore, it has been classified as a Variant of Uncertain Significance. Advanced modeling of protein sequence and biophysical properties (such as structural, functional, and spatial information, amino acid conservation, physicochemical variation, residue mobility, and thermodynamic stability) performed at Invitae indicates that this missense variant is not expected to disrupt FAT4 protein function. This variant has not been reported in the literature in individuals affected with FAT4-related conditions. This variant is present in population databases (no rsID available, gnomAD 0.007%). This sequence change replaces threonine, which is neutral and polar, with isoleucine, which is neutral and non-polar, at codon 4684 of the FAT4 protein (p.Thr4684Ile).